The following is an entry in ClinVar:

NM_183357.3(ADCY5):c.2116G>A (p.Ala706Thr)

Gene: ADCY5 (adenylate cyclase 5; minus strand). Cytogenetic location: 3q21.1.
Variant type: single nucleotide variant.
Coding change: c.2116G>A on transcript NM_183357.3 (MANE Select); coding-DNA position 2116, G replaced by A.
Protein change: p.Ala706Thr; replaces alanine 706 with threonine.
Molecular consequence: missense variant.
Genome position (GRCh38, 1-based): chr3:123,319,814, C>T on the plus strand (G>A on the coding strand, the complement: ADCY5 is on the minus strand). VCF-style: chr3-123319814-C-T. GRCh37 (hg19) VCF-style: chr3-123038661-C-T.
Other names: c.2116G>A (NM_183357.2); c.1066G>A, p.Ala356Thr (NM_001199642.1); c.2116G>A, p.Ala706Thr (NM_001378259.1); short protein forms A706T, A356T.
Identifiers: ClinVar variation 1384362 (VCV001384362.9), dbSNP rs376898099, ClinGen allele CA2577231.

ClinVar aggregate classification (germline): Conflicting classifications of pathogenicity. Review status: criteria provided, conflicting classifications (1 of 4 stars). 2 submissions from 2 submitters: Uncertain significance (1); Likely benign (1). Last evaluated 2024-02-05.

Conditions:
Inborn genetic diseases. Identifiers: MedGen C0950123, MeSH D030342.

Allele frequency attached by ClinVar (database versions not stated): gnomAD exomes 0.00003 and 0.00006; ExAC 0.00004; gnomAD 0.00004; ESP Exome Variant Server 0.00008; TOPMed 0.00012.
gnomAD v4.1: 53 of 1,613,684 alleles (0.0033%); highest among the groups gnomAD compares: Admixed American, 0.027%; no homozygotes.

Submissions (2):

Labcorp Genetics (formerly Invitae), Labcorp
Classification: Likely benign. Last evaluated: 2024-02-05. Review status: criteria provided, single submitter. Criteria: Invitae Variant Classification Sherloc (09022015). Collection method: clinical testing. Allele origin: germline.

Ambry Genetics
Classification: Uncertain significance for Inborn genetic diseases. Last evaluated: 2021-07-13. Review status: criteria provided, single submitter. Criteria: Ambry Variant Classification Scheme 2023. Collection method: clinical testing. Allele origin: germline.
Comment: Unlikely to be causative of autosomal dominant ADCY5-related hyperkinesia (AD) Based on insufficient or conflicting evidence, the clinical significance of this alteration remains unclear.